The following is an entry in ClinVar:

NM_000069.3(CACNA1S):c.4114-8T>C

Gene: CACNA1S (calcium voltage-gated channel subunit alpha1 S; minus strand). Cytogenetic location: 1q32.1.
Variant type: single nucleotide variant.
Coding change: c.4114-8T>C on transcript NM_000069.3 (MANE Select); 8 bases into the intron before coding-DNA position 4114, T replaced by C.
Molecular consequence: intron variant.
Genome position (GRCh38, 1-based): chr1:201,050,524, A>G on the plus strand (T>C on the coding strand, the complement: CACNA1S is on the minus strand). VCF-style: chr1-201050524-A-G. GRCh37 (hg19) VCF-style: chr1-201019652-A-G.
Other names: p.?.
Identifiers: ClinVar variation 390913 (VCV000390913.66), dbSNP rs373675720, ClinGen allele CA083114.

ClinVar aggregate classification (germline): Benign/Likely benign. Review status: criteria provided, multiple submitters, no conflicts (2 of 4 stars). 14 submissions from 11 submitters: Benign (5); Likely benign (9). Last evaluated 2026-04-20.

Conditions:
Hypokalemic periodic paralysis, type 1. Also called: HypoPP; Hypokalemic Periodic Paralysis Type 1 (AD). Identifiers: Orphanet 681, MedGen C3714580, MONDO:0042979, OMIM 170400.
Malignant hyperthermia, susceptibility to, 5 (MHS5). Also called: CACNA1S-Related Malignant Hyperthermia Susceptibility. Identifiers: Orphanet 423, MedGen C1866077, MONDO:0011163, OMIM 601887.
Congenital myopathy 18. Also called: Myopathy, congenital, due to dihydropyridine receptor defect; DIHYDROPYRIDINE RECEPTOR CONGENITAL MYOPATHY; DHPR CONGENITAL MYOPATHY. Identifiers: MedGen C5830283, MONDO:0859514, OMIM 620246.
Thyrotoxic periodic paralysis, susceptibility to, 1 (TTPP1). Identifiers: Orphanet 79102, MedGen C2749982, MONDO:0008570, OMIM 188580.

Allele frequency attached by ClinVar (database versions not stated): ExAC 0.00041; gnomAD exomes 0.00056 and 0.00114; TOPMed 0.00061; gnomAD 0.00072 and 0.00076; ESP Exome Variant Server 0.00092.
gnomAD v4.1: 1,738 of 1,613,904 alleles (0.11%); highest among the groups gnomAD compares: Non-Finnish European, 0.14%; no homozygotes.

Submissions (14):

Women's Health and Genetics/Laboratory Corporation of America, LabCorp
Classification: Likely benign. Last evaluated: 2026-04-20. Review status: criteria provided, single submitter. Criteria: LabCorp Variant Classification Summary - May 2015. Collection method: clinical testing. Allele origin: germline.

Labcorp Genetics (formerly Invitae), Labcorp
Classification: Benign for Hypokalemic periodic paralysis, type 1; Malignant hyperthermia, susceptibility to, 5. Last evaluated: 2026-02-03. Review status: criteria provided, single submitter. Criteria: Invitae Variant Classification Sherloc (09022015). Collection method: clinical testing. Allele origin: germline.

Mayo Clinic Laboratories, Mayo Clinic
Classification: Benign. Last evaluated: 2025-07-29. Review status: criteria provided, single submitter. Criteria: ACMG Guidelines, 2015. Collection method: clinical testing. Allele origin: germline. Observed: 4 variant alleles.
Comment: BP4, BP7

Blueprint Genetics
Classification: Likely benign. Last evaluated: 2024-11-07. Review status: criteria provided, single submitter. Criteria: ACMG Guidelines, 2015. Collection method: clinical testing. Allele origin: germline.

ARUP Laboratories, Molecular Genetics and Genomics, ARUP Laboratories
Classification: Likely benign. Last evaluated: 2024-03-22. Review status: criteria provided, single submitter. Criteria: ARUP Molecular Germline Variant Investigation Process 2024. Collection method: clinical testing. Allele origin: germline.

Genome-Nilou Lab
Classification: Likely benign for Malignant hyperthermia, susceptibility to, 5. Last evaluated: 2023-04-11. Review status: criteria provided, single submitter. Criteria: ACMG Guidelines, 2015. Collection method: clinical testing. Allele origin: germline. Affected: no.

Genome-Nilou Lab
Classification: Likely benign for Thyrotoxic periodic paralysis, susceptibility to, 1. Last evaluated: 2023-04-11. Review status: criteria provided, single submitter. Criteria: ACMG Guidelines, 2015. Collection method: clinical testing. Allele origin: germline. Affected: no.

Genome-Nilou Lab
Classification: Likely benign for Congenital myopathy 18. Last evaluated: 2023-04-11. Review status: criteria provided, single submitter. Criteria: ACMG Guidelines, 2015. Collection method: clinical testing. Allele origin: germline. Affected: no.

Genome-Nilou Lab
Classification: Likely benign for Hypokalemic periodic paralysis, type 1. Last evaluated: 2023-04-11. Review status: criteria provided, single submitter. Criteria: ACMG Guidelines, 2015. Collection method: clinical testing. Allele origin: germline. Affected: no.

CeGaT Center for Human Genetics Tuebingen
Classification: Likely benign. Last evaluated: 2023-02-01. Review status: criteria provided, single submitter. Criteria: CeGaT Center For Human Genetics Tuebingen Variant Classification Criteria Version 2. Collection method: clinical testing. Allele origin: germline. Affected: yes. Observed: 2 variant alleles.
Comment: CACNA1S: BP4

Color Diagnostics, LLC DBA Color Health
Classification: Benign for Malignant hyperthermia, susceptibility to, 5. Last evaluated: 2022-09-20. Review status: criteria provided, single submitter. Criteria: ACMG Guidelines, 2015. Collection method: clinical testing. Allele origin: germline.

GeneDx
Classification: Likely benign. Last evaluated: 2021-09-20. Review status: criteria provided, single submitter. Criteria: GeneDx Variant Classification Process June 2021. Collection method: clinical testing. Allele origin: germline. Affected: yes.

Athena Diagnostics
Classification: Benign. Last evaluated: 2020-11-06. Review status: criteria provided, single submitter. Criteria: Athena Diagnostics criteria. Collection method: clinical testing. Allele origin: unknown.

Illumina Laboratory Services, Illumina
Classification: Benign for Hypokalemic periodic paralysis, type 1. Last evaluated: 2018-01-13. Review status: criteria provided, single submitter. Criteria: ICSL Variant Classification Criteria 13 December 2019. Collection method: clinical testing. Allele origin: germline.
Comment: This variant was observed in the ICSL laboratory as part of a predisposition screen in an ostensibly healthy population. It had not been previously curated by ICSL or reported in the Human Gene Mutation Database (HGMD: prior to June 1st, 2018), and was therefore a candidate for classification through an automated scoring system. Utilizing variant allele frequency, disease prevalence and penetrance estimates, and inheritance mode, an automated score was calculated to assess if this variant is too frequent to cause the disease. Based on the score and internal cut-off values, a variant classified as benign is not then subjected to further curation. The score for this variant resulted in a classification of benign for this disease.